The following is an entry in ClinVar:

ClinVar aggregate classification (germline): Uncertain significance (1 of 4 stars; one submission).

Conditions:
Granulomatous disease, chronic, autosomal recessive, cytochrome b-negative. Also called: CGD DUE TO DEFICIENCY OF THE ALPHA SUBUNIT OF CYTOCHROME b; CGD, AUTOSOMAL RECESSIVE CYTOCHROME b-NEGATIVE; CYBA DEFICIENCY; Chronic granulomatous disease, autosomal, due to deficiency of CYBA; GRANULOMATOUS DISEASE, CHRONIC, AUTOSOMAL RECESSIVE, 4. Identifiers: Orphanet 379, MedGen C1856255, MONDO:0009308, OMIM 233690.

Allele frequency attached by ClinVar (database versions not stated): TOPMed 0.00002; gnomAD 0.00003.

Submission:

Labcorp Genetics (formerly Invitae), Labcorp
Classification: Uncertain significance for Granulomatous disease, chronic, autosomal recessive, cytochrome b-negative. Last evaluated: 2024-01-02. Review status: criteria provided, single submitter. Criteria: Invitae Variant Classification Sherloc (09022015). Collection method: clinical testing. Allele origin: germline.
Comment: This sequence change replaces arginine, which is basic and polar, with glutamine, which is neutral and polar, at codon 56 of the CYBA protein (p.Arg56Gln). This variant is present in population databases (no rsID available, gnomAD 0.004%). This variant has not been reported in the literature in individuals affected with CYBA-related conditions. ClinVar contains an entry for this variant (Variation ID: 2416781). An algorithm developed to predict the effect of missense changes on protein structure and function (PolyPhen-2) suggests that this variant is likely to be disruptive. In summary, the available evidence is currently insufficient to determine the role of this variant in disease. Therefore, it has been classified as a Variant of Uncertain Significance.

NM_000101.4(CYBA):c.167G>A (p.Arg56Gln)

Gene: CYBA (cytochrome b-245 alpha chain; minus strand). Cytogenetic location: 16q24.2.
Variant type: single nucleotide variant.
Coding change: c.167G>A on transcript NM_000101.4 (MANE Select); coding-DNA position 167, G replaced by A.
Protein change: p.Arg56Gln; replaces arginine 56 with glutamine.
Molecular consequence: missense variant.
Genome position (GRCh38, 1-based): chr16:88,647,137, C>T on the plus strand (G>A on the coding strand, the complement: CYBA is on the minus strand). VCF-style: chr16-88647137-C-T. GRCh37 (hg19) VCF-style: chr16-88713545-C-T.
Other names: short protein forms R56Q.
Identifiers: ClinVar variation 2416781 (VCV002416781.6), dbSNP rs756890606, ClinGen allele CA397065006.